The following is an entry in ClinVar:

ClinVar aggregate classification (germline): Uncertain significance (1 of 4 stars; one submission).

Allele frequency attached by ClinVar (database versions not stated): gnomAD exomes 0.00001; TOPMed 0.00001; gnomAD 0.00001; ExAC 0.00002.
gnomAD v4.1: 13 of 1,613,004 alleles (0.00081%); highest among the groups gnomAD compares: Admixed American, 0.0017%; no homozygotes.

Submission:

Ambry Genetics
Classification: Uncertain significance. Last evaluated: 2025-10-26. Review status: criteria provided, single submitter. Criteria: Ambry Variant Classification Scheme 2023. Collection method: clinical testing. Allele origin: germline.
Comment: The p.C684S variant (also known as c.2050T>A), located in coding exon 4 of the TMPO gene, results from a T to A substitution at nucleotide position 2050. The cysteine at codon 684 is replaced by serine, an amino acid with dissimilar properties. This amino acid position is conserved. In addition, this alteration is predicted to be tolerated by in silico analysis. Since supporting evidence is limited at this time, the clinical significance of this alteration remains unclear.

NM_001032283.3(TMPO):c.565+2469T>A

Gene: TMPO (thymopoietin; plus strand). Cytogenetic location: 12q23.1.
Variant type: single nucleotide variant.
Coding change: c.565+2469T>A on transcript NM_001032283.3 (MANE Select); 2469 bases into the intron after coding-DNA position 565, T replaced by A.
Molecular consequence: intron variant. On other transcripts: missense variant (1).
Genome position (GRCh38, 1-based): chr12:98,534,307, T>A. VCF-style: chr12-98534307-T-A. GRCh37 (hg19) VCF-style: chr12-98928085-T-A.
Other names: c.2050T>A, p.Cys684Ser (NM_003276.2); c.565+2469T>A (NM_001307975.2, NM_001032284.3); short protein forms C684S.
Identifiers: ClinVar variation 1785073 (VCV001785073.3), dbSNP rs752324787, ClinGen allele CA6732528.